The following is an entry in ClinVar:

ClinVar aggregate classification (germline): Conflicting classifications of pathogenicity. Review status: criteria provided, conflicting classifications (1 of 4 stars). 3 submissions from 3 submitters: Pathogenic (1); Likely pathogenic (1); Uncertain significance (1). Last evaluated 2023-10-23.

Conditions:
Wolfram syndrome 1 (WFS1). Identifiers: Orphanet 3463, MedGen C4551693, MONDO:0009101, OMIM 222300.

Allele frequency attached by ClinVar (database versions not stated): gnomAD 0.00001; TOPMed 0.00002.
gnomAD v4.1: 3 of 1,605,618 alleles (0.00019%); highest among the groups gnomAD compares: African/African-American, 0.0027%; no homozygotes.

Submissions (3):

Labcorp Genetics (formerly Invitae), Labcorp
Classification: Likely pathogenic. Last evaluated: 2023-10-23. Review status: criteria provided, single submitter. Criteria: Invitae Variant Classification Sherloc (09022015). Collection method: clinical testing. Allele origin: germline.
Comment: This sequence change affects a donor splice site in intron 6 of the WFS1 gene. It is expected to disrupt RNA splicing. Variants that disrupt the donor or acceptor splice site typically lead to a loss of protein function (PMID: 16199547), and loss-of-function variants in WFS1 are known to be pathogenic (PMID: 12955714). This variant is not present in population databases (gnomAD no frequency). This variant has not been reported in the literature in individuals affected with WFS1-related conditions. ClinVar contains an entry for this variant (Variation ID: 1465344). Algorithms developed to predict the effect of sequence changes on RNA splicing suggest that this variant may disrupt the consensus splice site. In summary, the currently available evidence indicates that the variant is pathogenic, but additional data are needed to prove that conclusively. Therefore, this variant has been classified as Likely Pathogenic.

Blueprint Genetics
Classification: Uncertain significance. Last evaluated: 2022-06-06. Review status: criteria provided, single submitter. Criteria: ACMG Guidelines, 2015. Collection method: clinical testing. Allele origin: germline.

Clinical Genomics, Uppaluri K&H Personalized Medicine Clinic
Classification: Pathogenic for Wolfram syndrome 1. Review status: criteria provided, single submitter. Criteria: K & H Uppaluri Personalized Medicine Clinic Variant Classification & Assertion Criteria_Updated V.1. Collection method: research. Allele origin: unknown. Inheritance: Autosomal recessive inheritance.
Comment: Potent mutations in WFS1 gene are associated with Wolfram's syndrome, an autosomal recessive condition, which cause diabetes mellitus, diabetes insipidus, deafness and optic atrophy. However no sufficient evidence is found to ascertain the role of this particular variant rs1281745640 in Wolfram's syndrome yet.

Literature cited by the submitters: PubMed 16199547 (cited by Labcorp Genetics (formerly Invitae), Labcorp); PubMed 12955714 (cited by Labcorp Genetics (formerly Invitae), Labcorp and Clinical Genomics, Uppaluri K&H Personalized Medicine Clinic); PubMed 33879153 (cited by Clinical Genomics, Uppaluri K&H Personalized Medicine Clinic); PubMed 18060660 (cited by Clinical Genomics, Uppaluri K&H Personalized Medicine Clinic); PubMed 20301750 (cited by Clinical Genomics, Uppaluri K&H Personalized Medicine Clinic); PubMed 17603484 (cited by Clinical Genomics, Uppaluri K&H Personalized Medicine Clinic); PubMed 20738327 (cited by Clinical Genomics, Uppaluri K&H Personalized Medicine Clinic).

NM_006005.3(WFS1):c.712+1G>T

Gene: WFS1 (wolframin ER transmembrane glycoprotein; plus strand). Cytogenetic location: 4p16.1.
Variant type: single nucleotide variant.
Coding change: c.712+1G>T on transcript NM_006005.3 (MANE Select); the canonical splice donor site of the intron after coding-DNA position 712, G replaced by T.
Molecular consequence: splice donor variant.
Genome position (GRCh38, 1-based): chr4:6,291,998, G>T. VCF-style: chr4-6291998-G-T. GRCh37 (hg19) VCF-style: chr4-6293725-G-T.
Other names: c.712+1G>T (NM_001145853.1).
Identifiers: ClinVar variation 1465344 (VCV001465344.12), dbSNP rs1281745640, ClinGen allele CA356172366.